The following is an entry in ClinVar:

ClinVar aggregate classification (germline): Uncertain significance (1 of 4 stars; one submission).

Allele frequency attached by ClinVar (database versions not stated): gnomAD 0.00001.
gnomAD v4.1: 1 of 1,586,916 alleles (0.000063%); highest among the groups gnomAD compares: Non-Finnish European, 0.000085%; no homozygotes.

Submission:

Labcorp Genetics (formerly Invitae), Labcorp
Classification: Uncertain significance. Last evaluated: 2025-03-31. Review status: criteria provided, single submitter. Criteria: Invitae Variant Classification Sherloc (09022015). Collection method: clinical testing. Allele origin: germline.
Comment: This sequence change replaces arginine, which is basic and polar, with threonine, which is neutral and polar, at codon 109 of the MICU1 protein (p.Arg109Thr). This variant is present in population databases (no rsID available, gnomAD 0.007%). This variant has not been reported in the literature in individuals affected with MICU1-related conditions. ClinVar contains an entry for this variant (Variation ID: 1931092). Experimental studies and prediction algorithms are not available or were not evaluated, and the functional significance of this variant is currently unknown. In summary, the available evidence is currently insufficient to determine the role of this variant in disease. Therefore, it has been classified as a Variant of Uncertain Significance.

NM_001195518.2(MICU1):c.326G>C (p.Arg109Thr)

Gene: MICU1 (mitochondrial calcium uptake 1; minus strand). Cytogenetic location: 10q22.1.
Variant type: single nucleotide variant.
Coding change: c.326G>C on transcript NM_001195518.2 (MANE Select); coding-DNA position 326, G replaced by C.
Protein change: p.Arg109Thr; replaces arginine 109 with threonine.
Molecular consequence: missense variant.
Genome position (GRCh38, 1-based): chr10:72,562,899, C>G on the plus strand (G>C on the coding strand, the complement: MICU1 is on the minus strand). VCF-style: chr10-72562899-C-G. GRCh37 (hg19) VCF-style: chr10-74322657-C-G.
Other names: c.326G>C, p.Arg109Thr (NM_001363513.2, NM_006077.4); short protein forms R109T.
Identifiers: ClinVar variation 1931092 (VCV001931092.5), dbSNP rs1264453478, ClinGen allele CA377395209.